The following is an entry in ClinVar:

ClinVar aggregate classification (germline): Uncertain significance (1 of 4 stars; one submission).

Allele frequency attached by ClinVar (database versions not stated): TOPMed below 0.00001; ExAC 0.00001; gnomAD 0.00001; ESP Exome Variant Server 0.00008.
gnomAD v4.1: 1 of 1,613,526 alleles (0.000062%); no homozygotes.

Submission:

Labcorp Genetics (formerly Invitae), Labcorp
Classification: Uncertain significance. Last evaluated: 2022-07-05. Review status: criteria provided, single submitter. Criteria: Invitae Variant Classification Sherloc (09022015). Collection method: clinical testing. Allele origin: germline.
Comment: In summary, the available evidence is currently insufficient to determine the role of this variant in disease. Therefore, it has been classified as a Variant of Uncertain Significance. Algorithms developed to predict the effect of missense changes on protein structure and function are either unavailable or do not agree on the potential impact of this missense change (SIFT: "Deleterious"; PolyPhen-2: "Probably Damaging"; Align-GVGD: "Class C15"). This variant has not been reported in the literature in individuals affected with MYLK3-related conditions. This variant is present in population databases (rs375577871, gnomAD 0.01%). This sequence change replaces cysteine, which is neutral and slightly polar, with tryptophan, which is neutral and slightly polar, at codon 532 of the MYLK3 protein (p.Cys532Trp).

NM_182493.3(MYLK3):c.1596C>G (p.Cys532Trp)

Gene: MYLK3 (myosin light chain kinase 3; minus strand). Cytogenetic location: 16q11.2.
Variant type: single nucleotide variant.
Coding change: c.1596C>G on transcript NM_182493.3 (MANE Select); coding-DNA position 1596, C replaced by G.
Protein change: p.Cys532Trp; replaces cysteine 532 with tryptophan.
Molecular consequence: missense variant.
Genome position (GRCh38, 1-based): chr16:46,729,660, G>C on the plus strand (C>G on the coding strand, the complement: MYLK3 is on the minus strand). VCF-style: chr16-46729660-G-C. GRCh37 (hg19) VCF-style: chr16-46763572-G-C.
Other names: c.573C>G, p.Cys191Trp (NM_001308301.1); short protein forms C191W, C532W.
Identifiers: ClinVar variation 1955898 (VCV001955898.5), dbSNP rs375577871, ClinGen allele CA8037910.
Genomic context (GRCh38, chr16:46,729,660, plus strand): 5'-CTTGGCGCTCTTCACTTTGATGATCTTGGCAGCCAGTGGGAGGCCTGTGGACTTCTCTGT[G>C]CACCTGTGGACCTGGCCAAACCGACCCCTGCAGAGACATAGCCACACGGCAGGCTGAGAG-3'
Protein context (NP_872299.2, residues 522-542): GGGRFGQVHR[Cys532Trp]TEKSTGLPLA